The following is an entry in ClinVar:

NM_001084.5(PLOD3):c.2108C>T (p.Pro703Leu)

Gene: PLOD3 (procollagen-lysine,2-oxoglutarate 5-dioxygenase 3; minus strand). Cytogenetic location: 7q22.1.
Variant type: single nucleotide variant.
Coding change: c.2108C>T on transcript NM_001084.5 (MANE Select); coding-DNA position 2108, C replaced by T.
Protein change: p.Pro703Leu; replaces proline 703 with leucine.
Molecular consequence: missense variant.
Genome position (GRCh38, 1-based): chr7:101,206,390, G>A on the plus strand (C>T on the coding strand, the complement: PLOD3 is on the minus strand). VCF-style: chr7-101206390-G-A. GRCh37 (hg19) VCF-style: chr7-100849671-G-A.
Other names: short protein forms P703L.
Identifiers: ClinVar variation 4802926 (VCV004802926.1).

ClinVar aggregate classification (germline): Uncertain significance (1 of 4 stars; one submission).

gnomAD v4.1: 14 of 1,613,464 alleles (0.00087%); highest among the groups gnomAD compares: South Asian, 0.0055%; no homozygotes.

Submission:

Labcorp Genetics (formerly Invitae), Labcorp
Classification: Uncertain significance. Last evaluated: 2025-12-24. Review status: criteria provided, single submitter. Criteria: Invitae Variant Classification Sherloc (09022015). Collection method: clinical testing. Allele origin: germline.
Comment: This sequence change replaces proline, which is neutral and non-polar, with leucine, which is neutral and non-polar, at codon 703 of the PLOD3 protein (p.Pro703Leu). This variant is present in population databases (rs779199558, gnomAD 0.007%). This variant has not been reported in the literature in individuals affected with PLOD3-related conditions. Invitae Evidence Modeling of protein sequence and biophysical properties (such as structural, functional, and spatial information, amino acid conservation, physicochemical variation, residue mobility, and thermodynamic stability) indicates that this missense variant is not expected to disrupt PLOD3 protein function with a negative predictive value of 80%. In summary, the available evidence is currently insufficient to determine the role of this variant in disease. Therefore, it has been classified as a Variant of Uncertain Significance.